The following is an entry in ClinVar:

NM_001130144.3(LTBP3):c.3761-2A>G

Gene: LTBP3 (latent transforming growth factor beta binding protein 3; minus strand). Cytogenetic location: 11q13.1.
Variant type: single nucleotide variant.
Coding change: c.3761-2A>G on transcript NM_001130144.3 (MANE Select); the canonical splice acceptor site of the intron before coding-DNA position 3761, A replaced by G.
Molecular consequence: splice acceptor variant.
Genome position (GRCh38, 1-based): chr11:65,539,233, T>C on the plus strand (A>G on the coding strand, the complement: LTBP3 is on the minus strand). VCF-style: chr11-65539233-T-C. GRCh37 (hg19) VCF-style: chr11-65306704-T-C.
Other names: c.3269-2A>G (NM_001164266.1); c.3620-2A>G (NM_021070.4).
Identifiers: ClinVar variation 1879203 (VCV001879203.32), dbSNP rs2496110731, ClinGen allele CA381266093.

ClinVar aggregate classification (germline): Uncertain significance. Review status: criteria provided, multiple submitters, no conflicts (2 of 4 stars). 2 submissions from 2 submitters: Uncertain significance (2). Last evaluated 2023-10-22.

Conditions:
Brachyolmia-amelogenesis imperfecta syndrome. Also called: PLATYSPONDYLY WITH AMELOGENESIS IMPERFECTA; Tooth agenesis, selective, 6; Dental anomalies and short stature. Identifiers: Orphanet 2899, MedGen C1832594, MONDO:0011018, OMIM 601216. Disease mechanism: loss of function.

gnomAD v4.1: 1 of 1,526,558 alleles (0.000066%); highest among the groups gnomAD compares: Non-Finnish European, 0.000088%; no homozygotes.

Submissions (2):

Labcorp Genetics (formerly Invitae), Labcorp
Classification: Uncertain significance for Brachyolmia-amelogenesis imperfecta syndrome. Last evaluated: 2023-10-22. Review status: criteria provided, single submitter. Criteria: Invitae Variant Classification Sherloc (09022015). Collection method: clinical testing. Allele origin: germline.
Comment: This sequence change affects an acceptor splice site in intron 27 of the LTBP3 gene. While this variant is not anticipated to result in nonsense mediated decay, it likely alters RNA splicing and results in a disrupted protein product. This variant is not present in population databases (gnomAD no frequency). This variant has not been reported in the literature in individuals affected with LTBP3-related conditions. ClinVar contains an entry for this variant (Variation ID: 1879203). Variants that disrupt the consensus splice site are a relatively common cause of aberrant splicing (PMID: 17576681, 9536098). Algorithms developed to predict the effect of sequence changes on RNA splicing suggest that this variant may disrupt the consensus splice site. In summary, the available evidence is currently insufficient to determine the role of this variant in disease. Therefore, it has been classified as a Variant of Uncertain Significance.

CeGaT Center for Human Genetics Tuebingen
Classification: Uncertain significance. Last evaluated: 2022-10-01. Review status: criteria provided, single submitter. Criteria: CeGaT Center For Human Genetics Tuebingen Variant Classification Criteria Version 2. Collection method: clinical testing. Allele origin: germline. Affected: yes. Observed: 1 variant allele.
Comment: LTBP3: PM2

Literature cited by the submitters: PubMed 17576681 (cited by Labcorp Genetics (formerly Invitae), Labcorp); PubMed 9536098 (cited by Labcorp Genetics (formerly Invitae), Labcorp).